The following is an entry in ClinVar:

NM_000137.4(FAH):c.554-15C>T

Gene: FAH (fumarylacetoacetate hydrolase; plus strand). Cytogenetic location: 15q25.1.
Variant type: single nucleotide variant.
Coding change: c.554-15C>T on transcript NM_000137.4 (MANE Select); 15 bases into the intron before coding-DNA position 554, C replaced by T.
Molecular consequence: intron variant.
Genome position (GRCh38, 1-based): chr15:80,168,249, C>T. VCF-style: chr15-80168249-C-T. GRCh37 (hg19) VCF-style: chr15-80460591-C-T.
Other names: c.554-15C>T (NM_001374377.1, NM_001374380.1).
Identifiers: ClinVar variation 888532 (VCV000888532.8), dbSNP rs774367598, ClinGen allele CA7691240.
Genomic context (GRCh38, chr15:80,168,249, plus strand): 5'-TCTCTGTTCCCACACAGAGAGTTCTGTGGCCTCACTCACAGCACCGTTTTTTTTTTTTTT[C>T]TGGTGTTATTCCAGCTAAGCCTCCCGTATATGGTGCCTGCAAGCTCTTGGACATGGAGCT-3'

ClinVar aggregate classification (germline): Benign/Likely benign. Review status: criteria provided, multiple submitters, no conflicts (2 of 4 stars). 3 submissions from 3 submitters: Benign (2); Likely benign (1). Last evaluated 2023-06-15.

Conditions:
Tyrosinemia type I (TYRSN1). Also called: Tyrosinemia type 1; Fumarylacetoacetase deficiency; Deficiency of fumarylacetoacetase; FAH DEFICIENCY; HEPATORENAL TYROSINEMIA. Identifiers: Orphanet 882, MedGen C0268490, MONDO:0010161, OMIM 276700. Disease mechanism: loss of function.

Submissions (3):

Labcorp Genetics (formerly Invitae), Labcorp
Classification: Likely benign for Tyrosinemia type I. Last evaluated: 2023-06-15. Review status: criteria provided, single submitter. Criteria: Invitae Variant Classification Sherloc (09022015). Collection method: clinical testing. Allele origin: germline.

Illumina Laboratory Services, Illumina
Classification: Benign for Tyrosinemia type I. Last evaluated: 2018-01-13. Review status: criteria provided, single submitter. Criteria: ICSL Variant Classification Criteria 13 December 2019. Collection method: clinical testing. Allele origin: germline.
Comment: This variant was observed in the ICSL laboratory as part of a predisposition screen in an ostensibly healthy population. It had not been previously curated by ICSL or reported in the Human Gene Mutation Database (HGMD: prior to June 1st, 2018), and was therefore a candidate for classification through an automated scoring system. Utilizing variant allele frequency, disease prevalence and penetrance estimates, and inheritance mode, an automated score was calculated to assess if this variant is too frequent to cause the disease. Based on the score and internal cut-off values, a variant classified as benign is not then subjected to further curation. The score for this variant resulted in a classification of benign for this disease.

Breakthrough Genomics
Classification: Benign. Review status: criteria provided, single submitter. Criteria: ACMG Guidelines, 2015. Collection method: not provided. Allele origin: germline. Inheritance: Autosomal recessive inheritance. Affected: yes.